The following is an entry in ClinVar:

NM_001105206.3(LAMA4):c.4476-80del

Gene: LAMA4 (laminin subunit alpha 4; minus strand). Cytogenetic location: 6q21.
Variant type: Deletion.
Coding change: c.4476-80del on transcript NM_001105206.3 (MANE Select); 80 bases into the intron before coding-DNA position 4476, one base deleted (A; older notation c.4476-80delA).
Molecular consequence: intron variant.
Genome position (GRCh38, 1-based): chr6:112,120,552, T deleted on the plus strand (A on the coding strand, the reverse complement: LAMA4 is on the minus strand). VCF-style (leftmost placement, unchanged base first): chr6-112120551-GT-G. GRCh37 (hg19) VCF-style: chr6-112441754-GT-G.
Other names: c.4455-80del (NM_002290.5, NM_001105207.3).
Identifiers: ClinVar variation 671362 (VCV000671362.1), dbSNP rs111944498, ClinGen allele CA144883035.
Genomic context (GRCh38, chr6:112,120,551, plus strand): 5'-GGGATTACCATATGTAAAATGAGACTGAGGATAATCTCTAACTTCTTAAAATAATACAGT[GT>G]AAGGAAGAATAAACAAGTAGCCATTCTATCTAATCCCAAGCAACATTATTCCACACTTAG-3'

ClinVar aggregate classification (germline): Benign (1 of 4 stars; one submission).

Allele frequency attached by ClinVar (database versions not stated): gnomAD exomes 0.00555; gnomAD 0.05324 and 0.05725; 1000 Genomes Project 0.05411; 1000 Genomes Project 30x 0.05918; TOPMed 0.06018.

Submission:

GeneDx
Classification: Benign. Last evaluated: 2018-06-19. Review status: criteria provided, single submitter. Criteria: GeneDx Variant Classification (06012015). Collection method: clinical testing. Allele origin: germline. Affected: yes.
Comment: This variant is considered likely benign or benign based on one or more of the following criteria: it is a conservative change, it occurs at a poorly conserved position in the protein, it is predicted to be benign by multiple in silico algorithms, and/or has population frequency not consistent with disease.